The following is an entry in ClinVar:

ClinVar aggregate classification (germline): Pathogenic (1 of 4 stars; one submission).

Conditions:
Primary ciliary dyskinesia. Also called: Ciliary dyskinesia. Identifiers: Orphanet 244, MedGen C0008780, MONDO:0016575, HP:0012265.

Submission:

Labcorp Genetics (formerly Invitae), Labcorp
Classification: Pathogenic for Primary ciliary dyskinesia. Last evaluated: 2017-06-26. Review status: criteria provided, single submitter. Criteria: Invitae Variant Classification Sherloc (09022015). Collection method: clinical testing. Allele origin: germline.
Comment: For these reasons, this variant has been classified as Pathogenic. Donor and acceptor splice site variants typically lead to a loss of protein function (PMID: 16199547), and loss-of-function variants in RSPH1 are known to be pathogenic (PMID: 23993197). Algorithms developed to predict the effect of sequence changes on RNA splicing suggest that this variant may disrupt the consensus splice site, but this prediction has not been confirmed by published transcriptional studies. This variant is not present in population databases (ExAC no frequency). This deletion affects a donor splice site in intron 7 of the RSPH1 gene. It is expected to disrupt RNA splicing and likely results in an absent or disrupted protein product.

Literature cited by the submitters: PubMed 16199547; PubMed 23993197.

NM_080860.4(RSPH1):c.727_727+138del

Gene: RSPH1 (radial spoke head component 1; minus strand). Cytogenetic location: 21q22.3.
Variant type: Deletion.
Coding change: c.727_727+138del on transcript NM_080860.4 (MANE Select); coding-DNA position 727 through 138 bases into the intron after coding-DNA position 727, 139 bases deleted.
Molecular consequence: splice donor variant.
Genome position (GRCh38, 1-based): chr21:42,477,153-42,477,291, 139 bases deleted. GRCh37 (hg19): chr21:43,897,264-43,897,402.
Other names: c.613_613+138del (NM_001286506.2).
Identifiers: ClinVar variation 454950 (VCV000454950.5), dbSNP rs1555875358, ClinGen allele CA658658891.